The following is an entry in ClinVar:

ClinVar aggregate classification (germline): Uncertain significance (1 of 4 stars; one submission).

Conditions:
Charcot-Marie-Tooth disease type 2. Also called: Charcot-Marie-Tooth type 2. Identifiers: Orphanet 64746, MedGen C0270914, MONDO:0018993.

Submission:

Labcorp Genetics (formerly Invitae), Labcorp
Classification: Uncertain significance for Charcot-Marie-Tooth disease type 2. Last evaluated: 2020-02-04. Review status: criteria provided, single submitter. Criteria: Invitae Variant Classification Sherloc (09022015). Collection method: clinical testing. Allele origin: germline.
Comment: This variant has not been reported in the literature in individuals with MFN2-related conditions. Algorithms developed to predict the effect of missense changes on protein structure and function are either unavailable or do not agree on the potential impact of this missense change (SIFT: "Tolerated"; PolyPhen-2: "Probably Damaging"; Align-GVGD: "Class C0"). In summary, the available evidence is currently insufficient to determine the role of this variant in disease. Therefore, it has been classified as a Variant of Uncertain Significance. This sequence change replaces asparagine with aspartic acid at codon 40 of the MFN2 protein (p.Asn40Asp). The asparagine residue is highly conserved and there is a small physicochemical difference between asparagine and aspartic acid. This variant is not present in population databases (ExAC no frequency).

NM_014874.4(MFN2):c.118A>G (p.Asn40Asp)

Gene: MFN2 (mitofusin 2; plus strand). Cytogenetic location: 1p36.22.
Variant type: single nucleotide variant.
Coding change: c.118A>G on transcript NM_014874.4 (MANE Select); coding-DNA position 118, A replaced by G.
Protein change: p.Asn40Asp; replaces asparagine 40 with aspartic acid.
Molecular consequence: missense variant.
Genome position (GRCh38, 1-based): chr1:11,989,286, A>G. VCF-style: chr1-11989286-A-G. GRCh37 (hg19) VCF-style: chr1-12049343-A-G.
Other names: c.118A>G, p.Asn40Asp (NM_001127660.2); short protein forms N40D.
Identifiers: ClinVar variation 1005589 (VCV001005589.9), dbSNP rs1026123951, ClinGen allele CA338459722.